The following is an entry in ClinVar:

NM_000346.4(SOX9):c.218T>C (p.Ile73Thr)

Genes: SOX9 (SRY-box transcription factor 9; plus strand), LOC108021846 (SOX9 promoter region; plus strand). Cytogenetic location: 17q24.3.
Variant type: single nucleotide variant.
Coding change: c.218T>C on transcript NM_000346.4 (MANE Select); coding-DNA position 218, T replaced by C.
Protein change: p.Ile73Thr; replaces isoleucine 73 with threonine.
Molecular consequence: missense variant.
Genome position (GRCh38, 1-based): chr17:72,121,609, T>C. VCF-style: chr17-72121609-T-C. GRCh37 (hg19) VCF-style: chr17-70117750-T-C.
Other names: short protein forms I73T.
Identifiers: ClinVar variation 1699037 (VCV001699037.3), dbSNP rs2143238589, ClinGen allele CA400865782.

ClinVar aggregate classification (germline): Pathogenic (1 of 4 stars; one submission).

Conditions:
Camptomelic dysplasia (CMPD). Also called: Campomelic Dysplasia; CMPD1/SRA1. Identifiers: Orphanet 140, MedGen C1861922, MONDO:0007251, OMIM 114290.

Submission:

Victorian Clinical Genetics Services, Murdoch Childrens Research Institute
Classification: Pathogenic for Camptomelic dysplasia. Last evaluated: 2022-06-24. Review status: criteria provided, single submitter. Criteria: ACMG Guidelines, 2015. Collection method: clinical testing. Allele origin: germline. Inheritance: Autosomal dominant inheritance. Affected: yes.
Comment: Based on the classification scheme VCGS_Germline_v1.3.4, this variant is classified as Pathogenic. Following criteria are met: 0102 - Loss of function is a known mechanism of disease in this gene and is associated with campomelic dysplasia (MIM#114290). (I) 0107 - This gene is associated with autosomal dominant disease. (I) 0115 - Variants in this gene are known to have variable expressivity (PMID: 20301724). (I) 0200 - Variant is predicted to result in a missense amino acid change from isoleucine to threonine. (I) 0251 - This variant is heterozygous. (I) 0301 - Variant is absent from gnomAD (both v2 and v3). (SP) 0501 - Missense variant consistently predicted to be damaging by multiple in silico tools or highly conserved with a major amino acid change. (SP) 0600 - Variant is located in the annotated SOX N-terminal domain (DECIPHER, NCBI). (I) 0704 - Another missense variant comparable to the one identified in this case has limited previous evidence for pathogenicity. p.(Ile73Asn) has been observed in a large cohort study in an individual with mutliple congenital anomalies (PMID: 26633542). (SP) 0802 - This variant has moderate previous evidence of pathogenicity in unrelated individuals. This variant has been observed as de novo in one individual with acampomelic campomelic dysplasia in a PhD thesis (Wang 2020). (SP) 0905 - No published segregation evidence has been identified for this variant. (I) 1007 - No published functional evidence has been identified for this variant. (SP) Legend: (SP) - Supporting pathogenic, (I) - Information, (SB) - Supporting benign

Literature cited by the submitters: PubMed 20301724; PubMed 26633542.